The following is an entry in ClinVar:

ClinVar aggregate classification (germline): Likely pathogenic (1 of 4 stars; one submission).

Conditions:
Ataxia-telangiectasia syndrome (AT). Also called: LOUIS-BAR SYNDROME; Cerebello-oculocutaneous telangiectasia; Immunodeficiency with ataxia telangiectasia; AT, COMPLEMENTATION GROUP C; Ataxia-telangiectasia, complementation group D; ATAXIA-TELANGIECTASIA, COMPLEMENTATION GROUP A. Identifiers: Orphanet 100, MedGen C0004135, MONDO:0008840, OMIM 208900.

Submission:

Labcorp Genetics (formerly Invitae), Labcorp
Classification: Likely pathogenic for Ataxia-telangiectasia syndrome. Last evaluated: 2020-03-18. Review status: criteria provided, single submitter. Criteria: Invitae Variant Classification Sherloc (09022015). Collection method: clinical testing. Allele origin: unknown.
Comment: This variant results in the deletion of exon(s) 12-16 and part of exon 11 (c.1666_2466+1282del) of the ATM gene. It is expected to disrupt RNA splicing and likely results in an absent or disrupted protein product. In summary, the currently available evidence indicates that the variant is pathogenic, but additional data are needed to prove that conclusively. Therefore, this variant has been classified as Likely Pathogenic. Loss-of-function variants in ATM are known to be pathogenic (PMID: 23807571, 25614872). This variant has not been reported in the literature in individuals with ATM-related conditions.

Literature cited by the submitters: PubMed 23807571; PubMed 25614872.

NC_000011.9:g.(?_108122622)_(108131084_?)del

Gene: ATM (ATM serine/threonine kinase; plus strand). Cytogenetic location: 11q22.3.
Variant type: Deletion.
Identifiers: ClinVar variation 3244506 (VCV003244506.1).